The following is an entry in ClinVar:

ClinVar aggregate classification (germline): Uncertain significance. Review status: criteria provided, multiple submitters, no conflicts (2 of 4 stars). 2 submissions from 2 submitters: Uncertain significance (2). Last evaluated 2023-12-16.

Conditions:
Lymphatic malformation 9. Identifiers: MedGen C5543365, MONDO:0030270, OMIM 619319.

Allele frequency attached by ClinVar (database versions not stated): gnomAD exomes below 0.00001; gnomAD 0.00001; TOPMed 0.00001.
gnomAD v4.1: 6 of 1,613,530 alleles (0.00037%); highest among the groups gnomAD compares: Admixed American, 0.0017%; no homozygotes.

Submissions (2):

Ambry Genetics
Classification: Uncertain significance. Last evaluated: 2023-12-16. Review status: criteria provided, single submitter. Criteria: Ambry Variant Classification Scheme 2023. Collection method: clinical testing. Allele origin: germline.

Clinical Genomics Laboratory, Washington University in St. Louis
Classification: Uncertain significance for Lymphatic malformation 9. Last evaluated: 2023-10-18. Review status: criteria provided, single submitter. Criteria: ACMG Guidelines, 2015. Collection method: clinical testing. Allele origin: germline.
Comment: The CELSR1 c.6160G>T (p.Gly2054Cys) variant was identified at near heterozygous allelic fraction of 49%, a frequency which may be consistent with it being of germline origin. To our knowledge, this variant has not been reported in the medical literature and is only observed on 1/152,156 alleles in the general population (gnomAD v.3.1.2), indicating it is not a common variant. Computational predictors suggest that the variant is damaging evidence that correlates with impact on CELSR1 function. Due to limited information, and based on ACMG/AMP guidelines for variant interpretation (Richards S et al., PMID: 25741868), this variant is classified as being of uncertain significance at this time.

NM_001378328.1(CELSR1):c.6160G>T (p.Gly2054Cys)

Gene: CELSR1 (cadherin EGF LAG seven-pass G-type receptor 1; minus strand). Cytogenetic location: 22q13.31.
Variant type: single nucleotide variant.
Coding change: c.6160G>T on transcript NM_001378328.1 (MANE Select); coding-DNA position 6160, G replaced by T.
Protein change: p.Gly2054Cys; replaces glycine 2054 with cysteine.
Molecular consequence: missense variant.
Genome position (GRCh38, 1-based): chr22:46,391,276, C>A on the plus strand (G>T on the coding strand, the complement: CELSR1 is on the minus strand). VCF-style: chr22-46391276-C-A. GRCh37 (hg19) VCF-style: chr22-46787173-C-A.
Other names: c.6160G>T, p.Gly2054Cys (NM_014246.4); c.6160G>T (NM_014246.1); short protein forms G2054C.
Identifiers: ClinVar variation 2672159 (VCV002672159.2), dbSNP rs1303575493, ClinGen allele CA411943845.